The following is an entry in ClinVar:

NM_024675.4(PALB2):c.393G>C (p.Arg131Ser)

Gene: PALB2 (partner and localizer of BRCA2; minus strand). Cytogenetic location: 16p12.2.
Variant type: single nucleotide variant.
Coding change: c.393G>C on transcript NM_024675.4 (MANE Select); coding-DNA position 393, G replaced by C.
Protein change: p.Arg131Ser; replaces arginine 131 with serine.
Molecular consequence: missense variant.
Genome position (GRCh38, 1-based): chr16:23,636,153, C>G on the plus strand (G>C on the coding strand, the complement: PALB2 is on the minus strand). VCF-style: chr16-23636153-C-G. GRCh37 (hg19) VCF-style: chr16-23647474-C-G.
Other names: short protein forms R131S.
Identifiers: ClinVar variation 220289 (VCV000220289.8), dbSNP rs864622461, ClinGen allele CA349427.

ClinVar aggregate classification (germline): Uncertain significance (1 of 4 stars; one submission).

Conditions:
Familial cancer of breast. Also called: hereditary breast carcinoma; Hereditary breast cancer; BREAST CANCER, FAMILIAL. Identifiers: Orphanet 227535, MedGen C0346153, MONDO:0016419, OMIM 114480. Disease mechanism: loss of function.

Submission:

Labcorp Genetics (formerly Invitae), Labcorp
Classification: Uncertain significance for Familial cancer of breast. Last evaluated: 2023-10-19. Review status: criteria provided, single submitter. Criteria: Invitae Variant Classification Sherloc (09022015). Collection method: clinical testing. Allele origin: germline.
Comment: This sequence change replaces arginine, which is basic and polar, with serine, which is neutral and polar, at codon 131 of the PALB2 protein (p.Arg131Ser). This variant is not present in population databases (gnomAD no frequency). This variant has not been reported in the literature in individuals affected with PALB2-related conditions. ClinVar contains an entry for this variant (Variation ID: 220289). Algorithms developed to predict the effect of missense changes on protein structure and function output the following: SIFT: "Not Available"; PolyPhen-2: "Benign"; Align-GVGD: "Not Available". The serine amino acid residue is found in multiple mammalian species, which suggests that this missense change does not adversely affect protein function. In summary, the available evidence is currently insufficient to determine the role of this variant in disease. Therefore, it has been classified as a Variant of Uncertain Significance.